The following is an entry in ClinVar:

ClinVar aggregate classification (germline): Pathogenic (1 of 4 stars; one submission).

Submission:

CeGaT Center for Human Genetics Tuebingen
Classification: Pathogenic. Last evaluated: 2024-04-01. Review status: criteria provided, single submitter. Criteria: CeGaT Center For Human Genetics Tuebingen Variant Classification Criteria Version 2. Collection method: clinical testing. Allele origin: germline. Affected: yes. Observed: 1 variant allele.
Comment: NSD1: PVS1, PM2, PS2:Moderate

NM_022455.5(NSD1):c.3892_3896del (p.Gln1298fs)

Gene: NSD1 (nuclear receptor binding SET domain protein 1; plus strand). Cytogenetic location: 5q35.3.
Variant type: Deletion.
Coding change: c.3892_3896del on transcript NM_022455.5 (MANE Select); coding-DNA positions 3892 to 3896, 5 bases deleted (CAAAA; older notation c.3892_3896delCAAAA).
Protein change: p.Gln1298fs; shifts the reading frame from glutamine 1298.
Molecular consequence: frameshift variant.
Genome position (GRCh38, 1-based): chr5:177,235,916-177,235,920, CAAAA deleted; deleting any 5 consecutive bases within chr5:177,235,912-177,235,920 gives the same sequence; the c. name uses the placement nearest the transcript's 3' end. VCF-style (leftmost placement, unchanged base first): chr5-177235911-AAAAAC-A. GRCh37 (hg19) VCF-style: chr5-176662912-AAAAAC-A.
Other names: c.3019_3023del, p.Gln1007fs (NM_001409309.1, NM_172349.5, NM_001365684.2 and 3 more transcripts); c.3892_3896del, p.Gln1298fs (NM_001409301.1, NM_001409302.1, NM_001409303.1); c.3472_3476del, p.Gln1158fs (NM_001409304.1); c.3139_3143del, p.Gln1047fs (NM_001409305.1); short protein forms Q1007fs, Q1047fs, Q1158fs, Q1298fs.
Identifiers: ClinVar variation 3234810 (VCV003234810.20), dbSNP rs2480581026, ClinGen allele CA2825001431.
Genomic context (GRCh38, chr5:177,235,911, plus strand): 5'-AGCCAAGCAAGTGGCTTTTGGAATATACAGAAGAATATGATCAGATATTTGCTCCTAAGA[AAAAAC>A]AAAAGAAGGTACAGGAGCAGGTGCACAAGGTATGTTGCAAAATTTCAGCAAACTTTCACT-3'